The following is an entry in ClinVar:

NM_001365999.1(SZT2):c.3329C>G (p.Thr1110Ser)

Gene: SZT2 (SZT2 subunit of KICSTOR complex; plus strand). Cytogenetic location: 1p34.2.
Variant type: single nucleotide variant.
Coding change: c.3329C>G on transcript NM_001365999.1 (MANE Select); coding-DNA position 3329, C replaced by G.
Protein change: p.Thr1110Ser; replaces threonine 1110 with serine.
Molecular consequence: missense variant.
Genome position (GRCh38, 1-based): chr1:43,427,075, C>G. VCF-style: chr1-43427075-C-G. GRCh37 (hg19) VCF-style: chr1-43892746-C-G.
Other names: c.3158C>G, p.Thr1053Ser (NM_015284.4); c.3158C>G (NM_015284.3); short protein forms T1110S, T1053S.
Identifiers: ClinVar variation 1389524 (VCV001389524.7), dbSNP rs1222292831, ClinGen allele CA340017122.
Genomic context (GRCh38, chr1:43,427,075, plus strand): 5'-TTCCCTTATAGATTGCTCTAATTTCTGTTTTTCTCTTACAGAGTGTAGGTCTTCCTGAAA[C>G]TCTCAAGCCTCTCATCTCTGCCCAGCCCCCTCAGTGGCGCTGCTATGCAAGGCTTGTGAA-3'
Protein context (NP_001352928.1, residues 1100-1120): FTSLSVGLPE[Thr1110Ser]LKPLISAQPP

ClinVar aggregate classification (germline): Uncertain significance. Review status: criteria provided, multiple submitters, no conflicts (2 of 4 stars). 2 submissions from 2 submitters: Uncertain significance (2). Last evaluated 2025-09-02.

Conditions:
Inborn genetic diseases. Identifiers: MedGen C0950123, MeSH D030342.

Allele frequency attached by ClinVar (database versions not stated): gnomAD exomes below 0.00001; gnomAD 0.00001.
gnomAD v4.1: 1 of 1,613,912 alleles (0.000062%); highest among the groups gnomAD compares: Non-Finnish European, 0.000085%; no homozygotes.

Submissions (2):

Labcorp Genetics (formerly Invitae), Labcorp
Classification: Uncertain significance. Last evaluated: 2025-09-02. Review status: criteria provided, single submitter. Criteria: Invitae Variant Classification Sherloc (09022015). Collection method: clinical testing. Allele origin: germline.
Comment: This sequence change replaces threonine, which is neutral and polar, with serine, which is neutral and polar, at codon 1053 of the SZT2 protein (p.Thr1053Ser). This variant is present in population databases (no rsID available, gnomAD 0.002%). This variant has not been reported in the literature in individuals affected with SZT2-related conditions. ClinVar contains an entry for this variant (Variation ID: 1389524). Invitae Evidence Modeling of protein sequence and biophysical properties (such as structural, functional, and spatial information, amino acid conservation, physicochemical variation, residue mobility, and thermodynamic stability) indicates that this missense variant is not expected to disrupt SZT2 protein function with a negative predictive value of 80%. In summary, the available evidence is currently insufficient to determine the role of this variant in disease. Therefore, it has been classified as a Variant of Uncertain Significance.

Ambry Genetics
Classification: Uncertain significance for Inborn genetic diseases. Last evaluated: 2025-04-03. Review status: criteria provided, single submitter. Criteria: Ambry Variant Classification Scheme 2023. Collection method: clinical testing. Allele origin: germline.